The following is an entry in ClinVar:

ClinVar aggregate classification (germline): Uncertain significance (1 of 4 stars; one submission).

Conditions:
Primary ciliary dyskinesia. Also called: Ciliary dyskinesia. Identifiers: Orphanet 244, MedGen C0008780, MONDO:0016575, HP:0012265.

Submission:

Labcorp Genetics (formerly Invitae), Labcorp
Classification: Uncertain significance for Primary ciliary dyskinesia. Last evaluated: 2022-06-05. Review status: criteria provided, single submitter. Criteria: Invitae Variant Classification Sherloc (09022015). Collection method: clinical testing. Allele origin: germline.
Comment: This variant results in a copy number gain of the genomic region encompassing exon(s) 1-6 of the RPGR gene. This region includes the initiator codon of the gene. This copy number gain extends beyond the assayed region for this gene and therefore may encompass additional genes. As the precise location of this event is unknown, it may be in tandem or it may be located elsewhere in the genome. This variant has not been reported in the literature in individuals affected with RPGR-related conditions. In summary, the available evidence is currently insufficient to determine the role of this variant in disease. Therefore, it has been classified as a Variant of Uncertain Significance.

NC_000023.10:g.(?_38176549)_(38215080_?)dup

Genes: OTC (ornithine transcarbamylase; plus strand), RPGR (retinitis pigmentosa GTPase regulator; minus strand). Cytogenetic location: Xp11.4.
Variant type: Duplication.
Identifiers: ClinVar variation 2422899 (VCV002422899.13).